The following is an entry in ClinVar:

ClinVar aggregate classification (germline): Benign/Likely benign. Review status: criteria provided, multiple submitters, no conflicts (2 of 4 stars). 6 submissions from 6 submitters: Benign (1); Likely benign (4). 1 of the submissions does not count toward it. Last evaluated 2026-02-04.

Conditions:
CYP2R1-related disorder. Also called: CYP2R1-related condition.

Allele frequency attached by ClinVar (database versions not stated): 1000 Genomes Project 30x 0.00109; 1000 Genomes Project 0.00140; TOPMed 0.00467; gnomAD 0.00480 and 0.00512; gnomAD exomes 0.00512 and 0.00667; ExAC 0.00531; ESP Exome Variant Server 0.00585.
gnomAD v4.1: 10,326 of 1,613,184 alleles (0.64%); highest among the groups gnomAD compares: Non-Finnish European, 0.79%; 50 homozygotes.

Submissions (6):

Labcorp Genetics (formerly Invitae), Labcorp
Classification: Benign. Last evaluated: 2026-02-04. Review status: criteria provided, single submitter. Criteria: Invitae Variant Classification Sherloc (09022015). Collection method: clinical testing. Allele origin: germline.

Mayo Clinic Laboratories, Mayo Clinic
Classification: Likely benign. Last evaluated: 2025-12-07. Review status: criteria provided, single submitter. Criteria: ACMG Guidelines, 2015. Collection method: clinical testing. Allele origin: germline. Observed: 1 variant allele.
Comment: BS1, BP4, BP7

Blueprint Genetics
Classification: Likely benign. Last evaluated: 2024-11-27. Review status: criteria provided, single submitter. Criteria: ACMG Guidelines, 2015. Collection method: clinical testing. Allele origin: germline.

CeGaT Center for Human Genetics Tuebingen
Classification: Likely benign. Last evaluated: 2023-04-01. Review status: criteria provided, single submitter. Criteria: CeGaT Center For Human Genetics Tuebingen Variant Classification Criteria Version 2. Collection method: clinical testing. Allele origin: germline. Affected: yes. Observed: 2 variant alleles.
Comment: CYP2R1: BP4, BP7, BS2

GeneDx
Classification: Likely benign. Last evaluated: 2020-07-13. Review status: criteria provided, single submitter. Criteria: GeneDx Variant Classification Process June 2021. Collection method: clinical testing. Allele origin: germline. Affected: yes.

PreventionGenetics, part of Exact Sciences
Classification: Likely benign for CYP2R1-related condition. Last evaluated: 2019-10-16. Review status: no assertion criteria provided. Collection method: clinical testing. Allele origin: germline. Not counted in ClinVar's aggregate classification.
Comment: This variant is classified as likely benign based on ACMG/AMP sequence variant interpretation guidelines (Richards et al. 2015 PMID: 25741868, with internal and published modifications).

NM_024514.5(CYP2R1):c.1276C>T (p.Leu426=)

Genes: CYP2R1 (cytochrome P450 family 2 subfamily R member 1; minus strand), PDE3B (phosphodiesterase 3B; plus strand). Cytogenetic location: 11p15.2.
Variant type: single nucleotide variant.
Coding change: c.1276C>T on transcript NM_024514.5 (MANE Select); coding-DNA position 1276, C replaced by T.
Protein change: p.Leu426=; no amino-acid change (leucine 426 retained).
Molecular consequence: synonymous variant.
Genome position (GRCh38, 1-based): chr11:14,879,168, G>A on the plus strand (C>T on the coding strand, the complement: CYP2R1 is on the minus strand). VCF-style: chr11-14879168-G-A. GRCh37 (hg19) VCF-style: chr11-14900714-G-A.
Other names: p.Leu426=; c.931C>T, p.Leu311= (NM_001377214.1, NM_001377215.1, NM_001377216.1 and 1 more transcripts); c.1114C>T, p.Leu372= (NM_001377217.1).
Identifiers: ClinVar variation 708207 (VCV000708207.46), dbSNP rs140424660, ClinGen allele CA5896527.
Genomic context (GRCh38, chr11:14,879,168, plus strand): 5'-TCTTACCTAGGGAAAAAGGAACCAAAGCTTCCTTCTTGGCAAAATATCCACTGCTGTCCA[G>A]AAATCGCTCAGGATGGAACACTTCTGGGTCTCTCCAGTACTTTTCATCAAAGTGTACAGA-3'
Protein context (NP_078790.2, residues 416-436): DPEVFHPERF[Leu426=]DSSGYFAKKE